The following is an entry in ClinVar:

NM_001385012.1(NBEA):c.4551G>A (p.Ser1517=)

Gene: NBEA (neurobeachin; plus strand). Cytogenetic location: 13q13.3.
Variant type: single nucleotide variant.
Coding change: c.4551G>A on transcript NM_001385012.1 (MANE Select); coding-DNA position 4551, G replaced by A.
Protein change: p.Ser1517=; no amino-acid change (serine 1517 retained).
Molecular consequence: synonymous variant.
Genome position (GRCh38, 1-based): chr13:35,173,591, G>A. VCF-style: chr13-35173591-G-A. GRCh37 (hg19) VCF-style: chr13-35747728-G-A.
Other names: c.4542G>A, p.Ser1514= (NM_001379245.1); c.4551G>A, p.Ser1517= (NM_015678.5).
Identifiers: ClinVar variation 3356418 (VCV003356418.1).

ClinVar aggregate classification (germline): Likely benign (0 of 4 stars; one submission).

Conditions:
NBEA-related disorder. Also called: NBEA-related condition.

gnomAD v4.1: 19 of 1,591,246 alleles (0.0012%); highest among the groups gnomAD compares: East Asian, 0.025%; no homozygotes.

Submission:

PreventionGenetics, part of Exact Sciences
Classification: Likely benign for NBEA-related condition. Last evaluated: 2024-05-22. Review status: no assertion criteria provided. Collection method: clinical testing. Allele origin: germline.
Comment: This variant is classified as likely benign based on ACMG/AMP sequence variant interpretation guidelines (Richards et al. 2015 PMID: 25741868, with internal and published modifications).